The following is an entry in ClinVar:

NM_000155.4(GALT):c.329G>A (p.Gly110Glu)

Gene: GALT (galactose-1-phosphate uridylyltransferase; plus strand). Cytogenetic location: 9p13.3.
Variant type: single nucleotide variant.
Coding change: c.329G>A on transcript NM_000155.4 (MANE Select); coding-DNA position 329, G replaced by A.
Protein change: p.Gly110Glu; replaces glycine 110 with glutamic acid.
Molecular consequence: missense variant. On other transcripts: intron variant (1).
Genome position (GRCh38, 1-based): chr9:34,647,657, G>A. VCF-style: chr9-34647657-G-A. GRCh37 (hg19) VCF-style: chr9-34647654-G-A.
Other names: NM_000155.4(GALT):c.329G>A; p.Gly110Glu; c.51-175G>A (NM_001258332.2); short protein forms G110E.
Identifiers: ClinVar variation 390761 (VCV000390761.4), dbSNP rs1057523885, ClinGen allele CA16606515.

ClinVar aggregate classification (germline): Uncertain significance. Review status: reviewed by expert panel (3 of 4 stars). 3 submissions from 3 submitters: Uncertain significance (1). 2 of the submissions do not count toward it. Last evaluated 2026-06-15.

Conditions:
Galactosemia. Also called: Galactose intolerance. Identifiers: Orphanet 352, MedGen C0016952, MONDO:0018116, HP:0004919. Disease mechanism: loss of function.

Submissions (3):

Clingen Galactosemia Variant Curation Expert Panel, ClinGen
Classification: Uncertain significance for Galactosemia. Last evaluated: 2026-06-15. Review status: reviewed by expert panel. Criteria: ClinGen Galactosemia ACMG Specifications GALT V1.1. Collection method: curation. Allele origin: germline. Inheritance: Autosomal recessive inheritance.
Comment: The c.329G>A variant in GALT is a missense variant predicted to cause substitution of glycine by glutamic acid at amino acid 110 (p.Gly110Glu). This variant is absent from gnomAD v4.1.0 (PM2_Supporting). The computational predictor REVEL gives a SCORE of 0.575, which is neither above nor below the thresholds predicting a damaging or benign impact on GALT. The computational splicing predictor SpliceAI gives a score of 0.25 for acceptor loss, predicting that the variant disrupts the acceptor splice site of intron 4 of GALT (PP3). In summary, this variant meets the criteria to be classified as uncertain significance for galactosemia based on the ACMG/AMP criteria applied, as specified by the ClinGen Galactosemia VCEP: PP3; PM2_Supporting 06/15/2026 (GALT specifications version 1.0).

GeneDx
Classification: Likely pathogenic. Last evaluated: 2016-11-08. Review status: criteria provided, single submitter. Criteria: GeneDx Variant Classification (06012015). Collection method: clinical testing. Allele origin: germline. Affected: yes. Not counted in ClinVar's aggregate classification.
Comment: The G110E missense variant in the GALT gene has not been published as a pathogenic variant, nor has it been reported as a benign variant to our knowledge. The G110E variant was not observed in approximately 6500 individuals of European and African American ancestry in the NHLBI Exome Sequencing Project, indicating it is not a common benign variant in these populations. The G110E variant is a non-conservative amino acid substitution, which is likely to impact secondary protein structure as these residues differ in polarity, charge, size and/or other properties. This substitution occurs at a position that is conserved in mammals, and the majority of in silico analysis models predict that this variant is probably damaging to the protein structure/function. Furthermore, missense variants in nearby residues (S112R, D113N, H114L) have been reported in the Human Gene Mutation Database in association with classic galactosemia (Stenson et al., 2014), supporting the functional importance of this region of the protein. In summary, we interpret the G110E variant as likely pathogenic; however, the possibility that it is benign cannot be excluded.

Women's Health and Genetics/Laboratory Corporation of America, LabCorp
Classification: Uncertain significance. Last evaluated: 2016-08-02. Review status: criteria provided, single submitter. Criteria: LabCorp Variant Classification Summary - May 2015. Collection method: clinical testing. Allele origin: germline. Not counted in ClinVar's aggregate classification.
Comment: Variant summary: The GALT c.329G>A (p.Gly110Glu) variant involves the alteration of a conserved nucleotide. 2/4 in silico tools predict a benign outcome (SNPs&GO not captured due to low reliability index). The variant is located in the last nucleotide position in exon 4. 5/5 splice prediction tools predict no significant impact on normal splicing. However, these predictions have yet to be confirmed by functional studies. This variant is absent in 121370 control chromosomes. The variant of interest has not, to our knowledge, been reported in affected individuals via publications and/or reputable databases/clinical diagnostic laboratories; nor evaluated for functional impact by in vivo/vitro studies. Because of the absence of clinical information and the lack of functional studies, the variant was classified as a variant of uncertain significance (VUS) until additional information becomes available.